The following is an entry in ClinVar:

NM_024408.4(NOTCH2):c.7087G>A (p.Gly2363Arg)

Gene: NOTCH2 (notch receptor 2; minus strand). Cytogenetic location: 1p12.
Variant type: single nucleotide variant.
Coding change: c.7087G>A on transcript NM_024408.4 (MANE Select); coding-DNA position 7087, G replaced by A.
Protein change: p.Gly2363Arg; replaces glycine 2363 with arginine.
Molecular consequence: missense variant.
Genome position (GRCh38, 1-based): chr1:119,915,635, C>T on the plus strand (G>A on the coding strand, the complement: NOTCH2 is on the minus strand). VCF-style: chr1-119915635-C-T. GRCh37 (hg19) VCF-style: chr1-120458258-C-T.
Other names: short protein forms G2363R.
Identifiers: ClinVar variation 3581469 (VCV003581469.2).

ClinVar aggregate classification (germline): Uncertain significance. Review status: criteria provided, multiple submitters, no conflicts (2 of 4 stars). 2 submissions from 2 submitters: Uncertain significance (2). Last evaluated 2025-02-18.

Conditions:
Alagille syndrome due to a NOTCH2 point mutation. Also called: Alagille syndrome 2. Identifiers: Orphanet 261629, Orphanet 52, MedGen C1857761, MONDO:0012439, OMIM 610205.
Hajdu-Cheney syndrome (HJCYS). Also called: ACROOSTEOLYSIS WITH OSTEOPOROSIS AND CHANGES IN SKULL AND MANDIBLE; Acroosteolysis dominant type; SERPENTINE FIBULA-POLYCYSTIC KIDNEY SYNDROME. Identifiers: Orphanet 955, MedGen C0917715, MONDO:0007057, OMIM 102500.

gnomAD v4.1: 20 of 1,613,884 alleles (0.0012%); highest among the groups gnomAD compares: African/African-American, 0.0027%; no homozygotes.

Submissions (2):

Labcorp Genetics (formerly Invitae), Labcorp
Classification: Uncertain significance for Hajdu-Cheney syndrome. Last evaluated: 2025-02-18. Review status: criteria provided, single submitter. Criteria: Invitae Variant Classification Sherloc (09022015). Collection method: clinical testing. Allele origin: germline.
Comment: This sequence change replaces glycine, which is neutral and non-polar, with arginine, which is basic and polar, at codon 2363 of the NOTCH2 protein (p.Gly2363Arg). This variant is present in population databases (rs371357549, gnomAD 0.007%). This variant has not been reported in the literature in individuals affected with NOTCH2-related conditions. ClinVar contains an entry for this variant (Variation ID: 3581469). Invitae Evidence Modeling of protein sequence and biophysical properties (such as structural, functional, and spatial information, amino acid conservation, physicochemical variation, residue mobility, and thermodynamic stability) indicates that this missense variant is not expected to disrupt NOTCH2 protein function with a negative predictive value of 80%. In summary, the available evidence is currently insufficient to determine the role of this variant in disease. Therefore, it has been classified as a Variant of Uncertain Significance.

Fulgent Genetics
Classification: Uncertain significance for Hajdu-Cheney syndrome; Alagille syndrome due to a NOTCH2 point mutation. Last evaluated: 2024-06-17. Review status: criteria provided, single submitter. Criteria: ACMG Guidelines, 2015. Collection method: clinical testing. Allele origin: germline.